The following is an entry in ClinVar:

NM_000021.4(PSEN1):c.849T>G (p.Phe283Leu)

Gene: PSEN1 (presenilin 1; plus strand). Cytogenetic location: 14q24.2.
Variant type: single nucleotide variant.
Coding change: c.849T>G on transcript NM_000021.4 (MANE Select); coding-DNA position 849, T replaced by G.
Protein change: p.Phe283Leu; replaces phenylalanine 283 with leucine.
Molecular consequence: missense variant.
Genome position (GRCh38, 1-based): chr14:73,198,110, T>G. VCF-style: chr14-73198110-T-G. GRCh37 (hg19) VCF-style: chr14-73664818-T-G.
Other names: p.Phe283Leu; c.837T>G, p.Phe279Leu (NM_007318.3); short protein forms F279L, F283L.
Identifiers: ClinVar variation 3381122 (VCV003381122.2).
Genomic context (GRCh38, chr14:73,198,110, plus strand): 5'-TCCGAAAGGTCCACTTCGTATGCTGGTTGAAACAGCTCAGGAGAGAAATGAAACGCTTTT[T>G]CCAGCTCTCATTTACTCCTGTAAGTATTTGAGAAGGATATTGAATTAGTAATCAGTGTAG-3'
Protein context (NP_000012.1, residues 273-293): ETAQERNETL[Phe283Leu]PALIYSSTMV

ClinVar aggregate classification (germline): Pathogenic/Likely pathogenic. Review status: criteria provided, multiple submitters, no conflicts (2 of 4 stars). 2 submissions from 2 submitters: Pathogenic (1); Likely pathogenic (1). Last evaluated 2024-08-20.

Submissions (2):

Mayo Clinic Laboratories, Mayo Clinic
Classification: Pathogenic. Last evaluated: 2024-08-20. Review status: criteria provided, single submitter. Criteria: ACMG Guidelines, 2015. Collection method: clinical testing. Allele origin: germline. Observed: 1 variant allele.
Comment: PP1_strong, PP3, PM1, PM2, PS4_moderate

ARUP Laboratories, Molecular Genetics and Genomics, ARUP Laboratories
Classification: Likely pathogenic. Last evaluated: 2024-08-15. Review status: criteria provided, single submitter. Criteria: ARUP Molecular Germline Variant Investigation Process 2024. Collection method: clinical testing. Allele origin: germline.
Comment: The PSEN1 c.849T>G; p.Phe283Leu variant is reported in the literature in two families affected with autosomal dominant familial Alzheimerâ€™s disease and was found to segregate with disease (Lam 2017, Ryan 2016, Scahill 2013). This variant is absent from the Genome Aggregation Database (v2.1.1), indicating it is not a common polymorphism. Computational analyses predict that this variant is deleterious] (REVEL: 0.956). Based on available information, this variant is considered to be likely pathogenic. References: Lam B et al. Characterizing familial corticobasal syndrome due to Alzheimer's disease pathology and PSEN1 mutations. Alzheimers Dement. 2017 May;13(5):520-530. PMID: 27743520. Ryan NS et al. Clinical phenotype and genetic associations in autosomal dominant familial Alzheimer's disease: a case series. Lancet Neurol. 2016 Dec;15(13):1326-1335. PMID: 27777022. Scahill RI et al. Genetic influences on atrophy patterns in familial Alzheimer's disease: a comparison of APP and PSEN1 mutations. J Alzheimers Dis. 2013;35(1):199-212. PMID: 23380992.

Literature cited by the submitters: PubMed 23380992 (cited by Mayo Clinic Laboratories, Mayo Clinic); PubMed 26410308 (cited by Mayo Clinic Laboratories, Mayo Clinic); PubMed 27743520 (cited by Mayo Clinic Laboratories, Mayo Clinic); PubMed 27777022 (cited by Mayo Clinic Laboratories, Mayo Clinic).